The following is an entry in ClinVar:

NM_000558.5(HBA1):c.63C>T (p.His21=)

Genes: HBA1 (hemoglobin subunit alpha 1; plus strand), LOC106804613 (hemoglobin subunit alpha 1 recombination region; plus strand). Cytogenetic location: 16p13.3.
Variant type: single nucleotide variant.
Coding change: c.63C>T on transcript NM_000558.5 (MANE Select); coding-DNA position 63, C replaced by T.
Protein change: p.His21=; no amino-acid change (histidine 21 retained).
Molecular consequence: synonymous variant.
Genome position (GRCh38, 1-based): chr16:176,779, C>T. VCF-style: chr16-176779-C-T. GRCh37 (hg19) VCF-style: chr16-226778-C-T.
Identifiers: ClinVar variation 4533037 (VCV004533037.1).
Genomic context (GRCh38, chr16:176,779, plus strand): 5'-GGTGCTGTCTCCTGCCGACAAGACCAACGTCAAGGCCGCCTGGGGTAAGGTCGGCGCGCA[C>T]GCTGGCGAGTATGGTGCGGAGGCCCTGGAGAGGTGAGGCTCCCTCCCCTGCTCCGACCCG-3'
Protein context (NP_000549.1, residues 11-31): VKAAWGKVGA[His21=]AGEYGAEALE

ClinVar aggregate classification (germline): Uncertain significance (1 of 4 stars; one submission).

Submission:

Quest Diagnostics Nichols Institute San Juan Capistrano
Classification: Uncertain significance. Last evaluated: 2025-10-31. Review status: criteria provided, single submitter. Criteria: Quest Diagnostics criteria. Collection method: clinical testing. Allele origin: unknown.
Comment: The HBA1 c.63C>T (p.His21=) synonymous variant has not been reported in individuals with HBA1-related conditions in the published literature. This variant also has not been reported in large, multi-ethnic general populations (Genome Aggregation Database). Analysis of this variant using software algorithms for the prediction of the effect of nucleotide changes on splicing yielded predictions that this variant does not affect HBA1 mRNA splicing. Based on the available information, we are unable to determine the clinical significance of this variant.